The following is an entry in ClinVar:

ClinVar aggregate classification (germline): Uncertain significance (1 of 4 stars; one submission).

Allele frequency attached by ClinVar (database versions not stated): ExAC 0.00002; TOPMed 0.00003; gnomAD 0.00004; gnomAD exomes 0.00004; ESP Exome Variant Server 0.00008.
gnomAD v4.1: 57 of 1,612,730 alleles (0.0035%); highest among the groups gnomAD compares: East Asian, 0.036%; no homozygotes.

Submission:

Labcorp Genetics (formerly Invitae), Labcorp
Classification: Uncertain significance. Last evaluated: 2022-10-13. Review status: criteria provided, single submitter. Criteria: Invitae Variant Classification Sherloc (09022015). Collection method: clinical testing. Allele origin: germline.
Comment: This sequence change replaces threonine, which is neutral and polar, with methionine, which is neutral and non-polar, at codon 2943 of the CDH23 protein (p.Thr2943Met). This variant is present in population databases (rs376632111, gnomAD 0.01%). This variant has not been reported in the literature in individuals affected with CDH23-related conditions. Advanced modeling of protein sequence and biophysical properties (such as structural, functional, and spatial information, amino acid conservation, physicochemical variation, residue mobility, and thermodynamic stability) performed at Invitae indicates that this missense variant is not expected to disrupt CDH23 protein function. In summary, the available evidence is currently insufficient to determine the role of this variant in disease. Therefore, it has been classified as a Variant of Uncertain Significance.

NM_022124.6(CDH23):c.8828C>T (p.Thr2943Met)

Gene: CDH23 (cadherin related 23; plus strand). Cytogenetic location: 10q22.1.
Variant type: single nucleotide variant.
Coding change: c.8828C>T on transcript NM_022124.6 (MANE Select); coding-DNA position 8828, C replaced by T.
Protein change: p.Thr2943Met; replaces threonine 2943 with methionine.
Molecular consequence: missense variant.
Genome position (GRCh38, 1-based): chr10:71,809,925, C>T. VCF-style: chr10-71809925-C-T. GRCh37 (hg19) VCF-style: chr10-73569682-C-T.
Other names: c.2108C>T, p.Thr703Met (NM_001171933.1, NM_001171934.1); short protein forms T703M, T2943M.
Identifiers: ClinVar variation 2142411 (VCV002142411.1), dbSNP rs376632111, ClinGen allele CA5546763.